The following is an entry in ClinVar:

NM_001830.4(CLCN4):c.1024G>C (p.Gly342Arg)

Gene: CLCN4 (chloride voltage-gated channel 4; plus strand). Cytogenetic location: Xp22.2.
Variant type: single nucleotide variant.
Coding change: c.1024G>C on transcript NM_001830.4 (MANE Select); coding-DNA position 1024, G replaced by C.
Protein change: p.Gly342Arg; replaces glycine 342 with arginine.
Molecular consequence: missense variant.
Genome position (GRCh38, 1-based): chrX:10,208,225, G>C. VCF-style: chrX-10208225-G-C. GRCh37 (hg19) VCF-style: chrX-10176265-G-C.
Other names: c.742G>C, p.Gly248Arg (NM_001256944.2); short protein forms G248R, G342R.
Identifiers: ClinVar variation 1391047 (VCV001391047.6), dbSNP rs2147179586, ClinGen allele CA412037684.
Genomic context (GRCh38, chrX:10,208,225, plus strand): 5'-GAATACCACACGCCCTGGTACATGGCTGAACTCTTCCCCTTCATCCTGCTTGGGGTCTTC[G>C]GGGGCTTGTGGGGAACCCTCTTCATCCGCTGCAACATCGCCTGGTGCAGGAGGCGCAAGA-3'
Protein context (NP_001821.2, residues 332-352): LFPFILLGVF[Gly342Arg]GLWGTLFIRC

ClinVar aggregate classification (germline): Uncertain significance (1 of 4 stars; one submission).

Submission:

Labcorp Genetics (formerly Invitae), Labcorp
Classification: Uncertain significance. Last evaluated: 2023-02-08. Review status: criteria provided, single submitter. Criteria: Invitae Variant Classification Sherloc (09022015). Collection method: clinical testing. Allele origin: germline.
Comment: Advanced modeling of protein sequence and biophysical properties (such as structural, functional, and spatial information, amino acid conservation, physicochemical variation, residue mobility, and thermodynamic stability) performed at Invitae indicates that this missense variant is expected to disrupt CLCN4 protein function. In summary, the available evidence is currently insufficient to determine the role of this variant in disease. Therefore, it has been classified as a Variant of Uncertain Significance. ClinVar contains an entry for this variant (Variation ID: 1391047). This sequence change replaces glycine, which is neutral and non-polar, with arginine, which is basic and polar, at codon 342 of the CLCN4 protein (p.Gly342Arg). This variant is not present in population databases (gnomAD no frequency). This variant has not been reported in the literature in individuals affected with CLCN4-related conditions.